The following continues an entry in ClinVar:

NM_000090.4(COL3A1):c.3938A>G (p.Lys1313Arg)

Gene: COL3A1. ClinVar aggregate classification (germline): Conflicting classifications of pathogenicity. Uncertain significance (2); Benign (7); Likely benign (11).

Submissions 15 to 22 of 22:

Illumina Laboratory Services, Illumina
Classification: Benign for Ehlers-Danlos syndrome, type 4. Last evaluated: 2018-03-06. Review status: criteria provided, single submitter. Criteria: ICSL Variant Classification Criteria 13 December 2019. Collection method: clinical testing. Allele origin: germline.
Comment: This variant was observed in the ICSL laboratory as part of a predisposition screen in an ostensibly healthy population. It had not been previously curated by ICSL or reported in the Human Gene Mutation Database (HGMD: prior to June 1st, 2018), and was therefore a candidate for classification through an automated scoring system. Utilizing variant allele frequency, disease prevalence and penetrance estimates, and inheritance mode, an automated score was calculated to assess if this variant is too frequent to cause the disease. Based on the score and internal cut-off values, a variant classified as benign is not then subjected to further curation. The score for this variant resulted in a classification of benign for this disease.

GeneDx
Classification: Likely benign. Last evaluated: 2017-10-27. Review status: criteria provided, single submitter. Criteria: GeneDx Variant Classification (06012015). Collection method: clinical testing. Allele origin: germline. Affected: yes.
Comment: This variant is considered likely benign or benign based on one or more of the following criteria: it is a conservative change, it occurs at a poorly conserved position in the protein, it is predicted to be benign by multiple in silico algorithms, and/or has population frequency not consistent with disease.

Center for Pediatric Genomic Medicine, Children's Mercy Hospital and Clinics
Classification: Likely benign. Last evaluated: 2017-05-19. Review status: criteria provided, single submitter. Criteria: ACMG Guidelines, 2015. Collection method: clinical testing. Allele origin: germline.

Laboratory for Molecular Medicine, Mass General Brigham Personalized Medicine
Classification: Uncertain significance. Last evaluated: 2017-01-10. Review status: criteria provided, single submitter. Criteria: LMM Criteria. Collection method: clinical testing. Allele origin: germline.
Comment: Variant identified in a genome or exome case(s) and assessed due to predicted null impact of the variant or pathogenic assertions in the literature or databases. Disclaimer: This variant has not undergone full assessment. The following are preliminary notes: This variant is present in gnomAD at a MaxMAF of 0.016% (199/126780 European chrs - high for disease incidence of 1/200,000). It has been classified in ClinVar with 1 star as VUS by GeneDx and CSER_CC_NCGL and as Likely benign by Ambry. It is present in HGMD in 4 papers - comments suggest VUS.

Center for Human Genetics, Inc
Classification: Uncertain significance for Connective tissue disorder. Last evaluated: 2016-11-01. Review status: criteria provided, single submitter. Criteria: ACMG Guidelines, 2015. Collection method: clinical testing. Allele origin: germline. Affected: yes.

Center for Genomics, Ann and Robert H. Lurie Children's Hospital of Chicago
Classification: Likely benign for Ehlers-Danlos syndrome, type 4; Polymicrogyria with or without vascular-type Ehlers-Danlos syndrome. Review status: criteria provided, single submitter. Criteria: ACMG Guidelines, 2015. Collection method: clinical testing. Allele origin: germline.
Comment: COL3A1 NM_000090.3 exon 49 p.Lys1313Arg (c.3938A>G): This variant has been reported in the literature in two individuals with vascular anomalies (Pickup 2011 PMID: 21086191, Traenka 2019 PMID:31903434). However, this variant is also present in 0.1% (91/64586) of European alleles in the Genome Aggregation Database and is present in ClinVar, with several labs classifying this variant as benign or likely benign (Variation ID:161218). Evolutionary conservation and computational predictive tools suggest that this variant may impact the protein. In summary, data on this variant suggests that this variant does not cause disease, but requires further evidence. Therefore this variant is classified as likely benign

CSER _CC_NCGL, University of Washington
Classification: Uncertain significance for Ehlers-Danlos syndrome, type IV. Last evaluated: 2016-08-01. Review status: no assertion criteria provided. Collection method: research. Allele origin: germline. Inheritance: Autosomal dominant inheritance. Study: CSER - NEXT Medicine variant annotation. Not counted in ClinVar's aggregate classification.

CSER _CC_NCGL, University of Washington
Classification: Uncertain significance for Ehlers-Danlos syndrome, vascular-type. Last evaluated: 2014-06-01. Review status: flagged submission. Collection method: research. Allele origin: germline. Inheritance: Autosomal dominant inheritance. Study: ESP 6500 variant annotation. Not counted in ClinVar's aggregate classification.
Comment: Variants classified for the Actionable exomic incidental findings in 6503 participants: challenges of variant classification manuscript
ClinVar note: Reason: This record appears to be redundant with a more recent record from the same submitter.
ClinVar note: Notes: SCV000190160 appears to be redundant with SCV000503567.

Literature cited by the submitters: PubMed 31903434 (cited by Athena Diagnostics); PubMed 25758994 (cited by 3 submitters); PubMed 21086191 (cited by 3 submitters); PubMed 25637381 (cited by Athena Diagnostics and Women's Health and Genetics/Laboratory Corporation of America, LabCorp); PubMed 24055113 (cited by Athena Diagnostics); PubMed 25985138 (cited by Athena Diagnostics); PubMed 25846194 (cited by 4 submitters); PubMed 27964749 (cited by Athena Diagnostics and Women's Health and Genetics/Laboratory Corporation of America, LabCorp); PubMed 27011056 (cited by Mayo Clinic Laboratories, Mayo Clinic and Women's Health and Genetics/Laboratory Corporation of America, LabCorp); PubMed 30374176 (cited by Mayo Clinic Laboratories, Mayo Clinic); PubMed 28748566 (cited by Women's Health and Genetics/Laboratory Corporation of America, LabCorp); PubMed 2049575 (cited by University of Washington Department of Laboratory Medicine, University of Washington).